The following is an entry in ClinVar:

ClinVar aggregate classification (germline): Likely benign. Review status: criteria provided, multiple submitters, no conflicts (2 of 4 stars). 2 submissions from 2 submitters: Likely benign (2). Last evaluated 2022-12-01.

Allele frequency attached by ClinVar (database versions not stated): gnomAD 0.00001; gnomAD exomes 0.00001; ExAC 0.00002; TOPMed 0.00002.
gnomAD v4.1: 13 of 1,612,500 alleles (0.00081%); highest among the groups gnomAD compares: South Asian, 0.0044%; no homozygotes.

Submissions (2):

CeGaT Center for Human Genetics Tuebingen
Classification: Likely benign. Last evaluated: 2022-12-01. Review status: criteria provided, single submitter. Criteria: CeGaT Center For Human Genetics Tuebingen Variant Classification Criteria Version 2. Collection method: clinical testing. Allele origin: germline. Affected: yes. Observed: 1 variant allele.
Comment: CACNA1B: BP4, BP7

Labcorp Genetics (formerly Invitae), Labcorp
Classification: Likely benign. Last evaluated: 2022-10-07. Review status: criteria provided, single submitter. Criteria: Invitae Variant Classification Sherloc (09022015). Collection method: clinical testing. Allele origin: germline.

NM_000718.4(CACNA1B):c.4839C>T (p.Tyr1613=)

Gene: CACNA1B (calcium voltage-gated channel subunit alpha1 B; plus strand). Cytogenetic location: 9q34.3.
Variant type: single nucleotide variant.
Coding change: c.4839C>T on transcript NM_000718.4 (MANE Select); coding-DNA position 4839, C replaced by T.
Protein change: p.Tyr1613=; no amino-acid change (tyrosine 1613 retained).
Molecular consequence: synonymous variant.
Genome position (GRCh38, 1-based): chr9:138,074,048, C>T. VCF-style: chr9-138074048-C-T. GRCh37 (hg19) VCF-style: chr9-140968500-C-T.
Other names: c.4839C>T, p.Tyr1613= (NM_001243812.2).
Identifiers: ClinVar variation 1955877 (VCV001955877.29), dbSNP rs200847209, ClinGen allele CA5377160.